The following is an entry in ClinVar:

NM_001394807.1(ADPRHL1):c.144C>T (p.Leu48=)

Gene: ADPRHL1 (ADP-ribosylhydrolase like 1; minus strand). Cytogenetic location: 13q34.
Variant type: single nucleotide variant.
Coding change: c.144C>T on transcript NM_001394807.1 (MANE Select); coding-DNA position 144, C replaced by T.
Protein change: p.Leu48=; no amino-acid change (leucine 48 retained).
Molecular consequence: synonymous variant.
Genome position (GRCh38, 1-based): chr13:113,453,294, G>A on the plus strand (C>T on the coding strand, the complement: ADPRHL1 is on the minus strand). VCF-style: chr13-113453294-G-A. GRCh37 (hg19) VCF-style: chr13-114107609-G-A.
Other names: c.144C>T, p.Leu48= (NM_138430.5).
Identifiers: ClinVar variation 5038647 (VCV005038647.1).

ClinVar aggregate classification (germline): Likely benign (1 of 4 stars; one submission).

gnomAD v4.1: 34 of 1,614,208 alleles (0.0021%); highest among the groups gnomAD compares: South Asian, 0.026%; no homozygotes.

Submission:

CeGaT Center for Human Genetics Tuebingen
Classification: Likely benign. Last evaluated: 2026-07-01. Review status: criteria provided, single submitter. Criteria: CeGaT Center For Human Genetics Tuebingen Variant Classification Criteria Version 2. Collection method: clinical testing. Allele origin: germline. Affected: yes. Observed: 1 variant allele.
Comment: ADPRHL1: BP4, BP7